The following is an entry in ClinVar:

ClinVar aggregate classification (germline): Uncertain significance. Review status: criteria provided, multiple submitters, no conflicts (2 of 4 stars). 2 submissions from 2 submitters: Uncertain significance (2). Last evaluated 2026-01-08.

Conditions:
Inborn genetic diseases. Identifiers: MedGen C0950123, MeSH D030342.
Pityriasis rubra pilaris (PRP). Also called: Pityriasis rubra pilaris--familial type. Identifiers: Orphanet 2897, MedGen C0032027, MONDO:0100017, OMIM 173200, MONDO:0008251.
Psoriasis 2. Identifiers: MedGen C1864497, MONDO:0011269, OMIM 602723.

Allele frequency attached by ClinVar (database versions not stated): ExAC 0.00002; gnomAD exomes 0.00002 and 0.00006; TOPMed 0.00004; gnomAD 0.00007.
gnomAD v4.1: 103 of 1,613,892 alleles (0.0064%); highest among the groups gnomAD compares: Non-Finnish European, 0.0079%; no homozygotes.

Submissions (2):

Labcorp Genetics (formerly Invitae), Labcorp
Classification: Uncertain significance for Pityriasis rubra pilaris; Psoriasis 2. Last evaluated: 2026-01-08. Review status: criteria provided, single submitter. Criteria: Invitae Variant Classification Sherloc (09022015). Collection method: clinical testing. Allele origin: germline.
Comment: This sequence change replaces tyrosine, which is neutral and polar, with histidine, which is basic and polar, at codon 680 of the CARD14 protein (p.Tyr680His). This variant is present in population databases (rs760618098, gnomAD 0.006%). This variant has not been reported in the literature in individuals affected with CARD14-related conditions. ClinVar contains an entry for this variant (Variation ID: 842525). Invitae Evidence Modeling of protein sequence and biophysical properties (such as structural, functional, and spatial information, amino acid conservation, physicochemical variation, residue mobility, and thermodynamic stability) has been performed for this missense variant. However, the output from this modeling did not meet the statistical confidence thresholds required to predict the impact of this variant on CARD14 protein function. In summary, the available evidence is currently insufficient to determine the role of this variant in disease. Therefore, it has been classified as a Variant of Uncertain Significance.

Ambry Genetics
Classification: Uncertain significance for Inborn genetic diseases. Last evaluated: 2024-03-28. Review status: criteria provided, single submitter. Criteria: Ambry Variant Classification Scheme 2023. Collection method: clinical testing. Allele origin: germline.

NM_001366385.1(CARD14):c.2038T>C (p.Tyr680His)

Genes: CARD14 (caspase recruitment domain family member 14; plus strand), SGSH (N-sulfoglucosamine sulfohydrolase; minus strand). Cytogenetic location: 17q25.3.
Variant type: single nucleotide variant.
Coding change: c.2038T>C on transcript NM_001366385.1 (MANE Select); coding-DNA position 2038, T replaced by C.
Protein change: p.Tyr680His; replaces tyrosine 680 with histidine.
Molecular consequence: missense variant. On other transcripts: non-coding transcript variant (1).
Genome position (GRCh38, 1-based): chr17:80,202,239, T>C. VCF-style: chr17-80202239-T-C. GRCh37 (hg19) VCF-style: chr17-78176038-T-C.
Other names: c.2038T>C, p.Tyr680His (NM_001257970.1, NM_024110.4); c.2038T>C (NM_024110.3); short protein forms Y680H.
Identifiers: ClinVar variation 842525 (VCV000842525.11), dbSNP rs760618098, ClinGen allele CA8817175.